The following is an entry in ClinVar:

ClinVar aggregate classification (germline): Uncertain significance. Review status: criteria provided, multiple submitters, no conflicts (2 of 4 stars). 2 submissions from 2 submitters: Uncertain significance (2). Last evaluated 2026-03-26.

Conditions:
TG-related disorder. Also called: TG-related condition; TG-related disorders.
Inborn genetic diseases. Identifiers: MedGen C0950123, MeSH D030342.

gnomAD v4.1: 34 of 1,614,068 alleles (0.0021%); highest among the groups gnomAD compares: Middle Eastern, 0.016%; no homozygotes.

Submissions (2):

PreventionGenetics, part of Exact Sciences
Classification: Uncertain significance for TG-related condition. Last evaluated: 2026-03-26. Review status: criteria provided, single submitter. Criteria: ACMG Guidelines, 2015. Collection method: clinical testing. Allele origin: germline.
Comment: The TG c.7133G>A variant is predicted to result in the amino acid substitution p.Arg2378Gln. To our knowledge, this variant has not been reported in the literature. This variant is reported in 0.0080% of alleles in individuals of African descent in gnomAD. At this time, the clinical significance of this variant is uncertain due to the absence of conclusive functional and genetic evidence.

Ambry Genetics
Classification: Uncertain significance for Inborn genetic diseases. Last evaluated: 2025-10-22. Review status: criteria provided, single submitter. Criteria: Ambry Variant Classification Scheme 2023. Collection method: clinical testing. Allele origin: germline.

NM_003235.5(TG):c.7133G>A (p.Arg2378Gln)

Gene: TG (thyroglobulin; plus strand). Cytogenetic location: 8q24.22.
Variant type: single nucleotide variant.
Coding change: c.7133G>A on transcript NM_003235.5 (MANE Select); coding-DNA position 7133, G replaced by A.
Protein change: p.Arg2378Gln; replaces arginine 2378 with glutamine.
Molecular consequence: missense variant.
Genome position (GRCh38, 1-based): chr8:133,029,917, G>A. VCF-style: chr8-133029917-G-A. GRCh37 (hg19) VCF-style: chr8-134042162-G-A.
Other names: short protein forms R2378Q.
Identifiers: ClinVar variation 4633039 (VCV004633039.2).